The following is an entry in ClinVar:

NM_001079802.2(FKTN):c.166-3C>A

Gene: FKTN (fukutin; plus strand). Cytogenetic location: 9q31.2.
Variant type: single nucleotide variant.
Coding change: c.166-3C>A on transcript NM_001079802.2 (MANE Select); 3 bases into the intron before coding-DNA position 166, C replaced by A.
Molecular consequence: intron variant.
Genome position (GRCh38, 1-based): chr9:105,601,142, C>A. VCF-style: chr9-105601142-C-A. GRCh37 (hg19) VCF-style: chr9-108363423-C-A.
Other names: c.166-3C>A (NM_006731.2, NM_001351496.2, NM_001198963.2 and 1 more transcripts); c.-349-3C>A (NM_001351502.2, NM_001351499.2, NM_001351500.2 and 1 more transcripts); c.97-3C>A (NM_001351497.2).
Identifiers: ClinVar variation 2017660 (VCV002017660.4), dbSNP rs2539332490, ClinGen allele CA2580079298.

ClinVar aggregate classification (germline): Uncertain significance (1 of 4 stars; one submission).

Conditions:
Walker-Warburg congenital muscular dystrophy. Also called: Muscular dystrophy-dystroglycanopathy, type A; Walker-Warburg syndrome. Identifiers: Orphanet 899, MedGen C0265221, MONDO:0000171.

Submission:

Labcorp Genetics (formerly Invitae), Labcorp
Classification: Uncertain significance for Walker-Warburg congenital muscular dystrophy. Last evaluated: 2024-01-04. Review status: criteria provided, single submitter. Criteria: Invitae Variant Classification Sherloc (09022015). Collection method: clinical testing. Allele origin: germline.
Comment: This sequence change falls in intron 4 of the FKTN gene. It does not directly change the encoded amino acid sequence of the FKTN protein. It affects a nucleotide within the consensus splice site. This variant is not present in population databases (gnomAD no frequency). This variant has not been reported in the literature in individuals affected with FKTN-related conditions. ClinVar contains an entry for this variant (Variation ID: 2017660). Variants that disrupt the consensus splice site are a relatively common cause of aberrant splicing (PMID: 17576681, 9536098). Algorithms developed to predict the effect of sequence changes on RNA splicing suggest that this variant may disrupt the consensus splice site. In summary, the available evidence is currently insufficient to determine the role of this variant in disease. Therefore, it has been classified as a Variant of Uncertain Significance.

Literature cited by the submitters: PubMed 17576681; PubMed 9536098.